The following is an entry in ClinVar:

NM_000059.4(BRCA2):c.8229_8243del (p.Arg2744_Gly2748del)

Gene: BRCA2 (BRCA2 DNA repair associated; plus strand). Cytogenetic location: 13q13.1.
Variant type: Deletion.
Coding change: c.8229_8243del on transcript NM_000059.4 (MANE Select); coding-DNA positions 8229 to 8243, 15 bases deleted (CAGACTGACAGTTGG).
Protein change: p.Arg2744_Gly2748del.
Molecular consequence: inframe deletion.
Genome position (GRCh38, 1-based): chr13:32,363,431-32,363,445, CAGACTGACAGTTGG deleted; deleting any 15 consecutive bases within chr13:32,363,428-32,363,445 gives the same sequence; the c. name uses the placement nearest the transcript's 3' end. VCF-style (leftmost placement, unchanged base first): chr13-32363427-ATGGCAGACTGACAGT-A. GRCh37 (hg19) VCF-style: chr13-32937564-ATGGCAGACTGACAGT-A.
Other names: RLTVG2743del; c.8229_8243del15 (NM_000059.3).
Identifiers: ClinVar variation 52531 (VCV000052531.24), dbSNP rs80359698, ClinGen allele CA025528.

ClinVar aggregate classification (germline): Pathogenic/Likely pathogenic. Review status: criteria provided, multiple submitters, no conflicts (2 of 4 stars). 9 submissions from 9 submitters: Pathogenic (1); Likely pathogenic (5). 3 of the submissions do not count toward it. Last evaluated 2025-12-10.

Conditions:
Breast and/or ovarian cancer. Identifiers: MedGen CN221562.
Hereditary cancer-predisposing syndrome. Also called: Hereditary neoplastic syndrome; Neoplastic Syndromes, Hereditary; Hereditary Cancer Syndrome; Tumor predisposition. Identifiers: Orphanet 140162, MedGen C0027672, MeSH D009386, MONDO:0015356.
Hereditary breast ovarian cancer syndrome. Also called: Hereditary breast and ovarian cancer; Breast and ovarian cancer; Hereditary breast and ovarian cancer syndrome; BRCA1- and BRCA2-Associated Hereditary Breast and Ovarian Cancer; Hereditary breast and ovarian cancer syndrome (HBOC); Hereditary breast and/or ovarian cancer syndrome. Identifiers: Orphanet 145, MedGen C0677776, MeSH D061325, MONDO:0003582. Disease mechanism: loss of function.
Breast-ovarian cancer, familial, susceptibility to, 2 (BROVCA2). Also called: BRCA2 Hereditary Breast and Ovarian Cancer. Identifiers: Orphanet 145, MedGen C2675520, MONDO:0012933, OMIM 612555. Disease mechanism: loss of function.
Familial cancer of breast. Also called: hereditary breast carcinoma; BREAST CANCER, FAMILIAL; Hereditary breast cancer. Identifiers: Orphanet 227535, MedGen C0346153, MONDO:0016419, OMIM 114480. Disease mechanism: loss of function.

Submissions (9):

Department of Clinical Genetics, Copenhagen University Hospital, Rigshospitalet
Classification: Likely pathogenic for Familial cancer of breast. Last evaluated: 2025-12-10. Review status: criteria provided, single submitter. Criteria: ACMG Guidelines, 2015. Collection method: clinical testing. Allele origin: germline.
Comment: The deletion removes 5 amino acid(s) of the BRCA2 protein (p.Arg2744_Gly2748del), including amino acid p.Gly2748 where p.(Gly2748Asp) and p.(Gly2748Ser) substitutions have been determined to be pathogenic. The variant has a combined LR of 2.64 (PMID: 31131967) (PP4_SUP). The variant has been shown to segregate with disease (PMID:14757868) (PP1). The variants is not reported in gnomAD v.4.1, but since it is a deletion PM2_SUP is not applied.The variants is reported as a norwegian founder variant (PMID: 29339979) and has been identified in numerous individuals/families with hereditary breast and ovarian cancer

Labcorp Genetics (formerly Invitae), Labcorp
Classification: Pathogenic for Hereditary breast ovarian cancer syndrome. Last evaluated: 2025-07-30. Review status: criteria provided, single submitter. Criteria: Invitae Variant Classification Sherloc (09022015). Collection method: clinical testing. Allele origin: germline.
Comment: This variant, c.8229_8243del, results in the deletion of 5 amino acid(s) of the BRCA2 protein (p.Arg2744_Gly2748del), but otherwise preserves the integrity of the reading frame. This variant is not present in population databases (gnomAD no frequency). This variant has been observed in individual(s) with clinical features of hereditary breast and ovarian cancer (PMID: 14757868, 29339979). This variant is also known as 8457del15. ClinVar contains an entry for this variant (Variation ID: 52531). RNA analysis performed to evaluate the impact of this variant on mRNA splicing indicates it does not significantly alter splicing (internal data). This variant disrupts a region of the BRCA2 protein in which other variant(s) (p.Gly2748Asp) have been determined to be pathogenic (PMID: 15026808, 17924331, 22711857, 23108138, 23328489, 25146914). This suggests that this is a clinically significant region of the protein, and that variants that disrupt it are likely to be disease-causing. For these reasons, this variant has been classified as Pathogenic.

Ambry Genetics
Classification: Likely pathogenic for Hereditary cancer-predisposing syndrome. Last evaluated: 2025-03-06. Review status: criteria provided, single submitter. Criteria: Ambry Variant Classification Scheme 2023. Collection method: clinical testing. Allele origin: germline.
Comment: The c.8229_8243del15 variant (also known as p.R2744_G2748del) is located in coding exon 17 of the BRCA2 gene. This variant results from an in-frame deletion of 15 nucleotides (CAGACTGACAGTTGG) at positions 8229 to 8243. This results in the in-frame deletion of five amino acids (RLTVG) at codons 2744 to 2748. In a large, clinic-based BRCA1/2 testing cohort in Norway, this variant was detected in five families (Heramb C et al. Hered Cancer Clin Pract, 2018 Jan;16:3). This amino acid region is well conserved in available vertebrate species and is part of the OB1 domain, a region that has been designated as critical for protein function (Ambry internal data). In addition, this alteration is predicted to be deleterious by in silico analysis (Choi Y et al. PLoS ONE. 2012; 7(10):e46688). Based on the majority of available evidence to date, this variant is likely to be pathogenic.

Baylor Genetics
Classification: Likely pathogenic for Familial cancer of breast. Last evaluated: 2024-03-28. Review status: criteria provided, single submitter. Criteria: ACMG Guidelines, 2015. Collection method: clinical testing. Allele origin: unknown.

Quest Diagnostics Nichols Institute San Juan Capistrano
Classification: Likely pathogenic. Last evaluated: 2021-03-03. Review status: criteria provided, single submitter. Criteria: Quest Diagnostics criteria. Collection method: clinical testing. Allele origin: unknown.
Comment: This variant has been reported in multiple families with hereditary breast and/or ovarian cancer in the published literature (PMID: 14757868 (2004), 18284688 (2008), 29339979 (2018)). It was not found in a large general population data set (Genome Aggregation Database). The variant has been reported to segregate with disease, and tumor tissue from affected individuals showed loss of the wild type BRCA2 allele (PMID: 14757868 (2004)). The variant results in the in-frame deletion of five amino acids in the DNA/DSS1 binding domain of the BRCA2 protein, which has been characterized as evolutionarily highly conserved and functionally significant (PMID: 14757868 (2004)). Analysis of this variant using a bioinformatics tool for the prediction of the effect of amino acid changes on protein structure and function yielded the prediction that this variant is disease causing. Analysis of this variant using software algorithms for the prediction of the effect of nucleotide changes on BRCA2 mRNA splicing yielded predictions that this variant may result in the gain of a cryptic splice site without affecting the natural splice sites. Variant is located in potentially critical domain of the protein. Based on the available information, we predict that the variant is likely pathogenic.

Department of Medical Genetics, Oslo University Hospital
Classification: Likely pathogenic for Breast-ovarian cancer, familial, susceptibility to, 2. Last evaluated: 2015-05-11. Review status: criteria provided, single submitter. Criteria: ACMG Guidelines, 2015. Collection method: clinical testing. Allele origin: germline. Affected: yes. Observed: 18 variant alleles.

CHEO Genetics Diagnostic Laboratory, Children's Hospital of Eastern Ontario
Classification: Uncertain significance for Breast and/or ovarian cancer. Last evaluated: 2016-01-26. Review status: flagged submission. Criteria: ACMG Guidelines, 2015. Collection method: clinical testing. Allele origin: germline. Study: Canadian Open Genetics Repository. Not counted in ClinVar's aggregate classification.
ClinVar note: Reason: Outlier claim with insufficient supporting evidence

Research Molecular Genetics Laboratory, Women's College Hospital, University of Toronto
Classification: Uncertain significance. Last evaluated: 2014-01-31. Review status: flagged submission. Collection method: research. Allele origin: germline. Affected: yes. Study: The Canadian Open Genetics Repository (COGR). Not counted in ClinVar's aggregate classification.
ClinVar note: Reason: Older claim that does not account for recent evidence

Breast Cancer Information Core (BIC) (BRCA2)
Classification: Uncertain significance for Breast-ovarian cancer, familial 2. Last evaluated: 2002-05-29. Review status: flagged submission. Collection method: clinical testing. Allele origin: germline. Affected: yes. Observed: 1 variant allele. Not counted in ClinVar's aggregate classification.
ClinVar note: Reason: Outlier claim with insufficient supporting evidence

Literature cited by the submitters: PubMed 14757868 (cited by 4 submitters); PubMed 29339979 (cited by 4 submitters); PubMed 31131967 (cited by Department of Clinical Genetics, Copenhagen University Hospital, Rigshospitalet and Quest Diagnostics Nichols Institute San Juan Capistrano); PubMed 15026808 (cited by Labcorp Genetics (formerly Invitae), Labcorp); PubMed 17924331 (cited by Labcorp Genetics (formerly Invitae), Labcorp); PubMed 22711857 (cited by Labcorp Genetics (formerly Invitae), Labcorp); PubMed 23108138 (cited by Labcorp Genetics (formerly Invitae), Labcorp); PubMed 23328489 (cited by Labcorp Genetics (formerly Invitae), Labcorp); PubMed 25146914 (cited by Labcorp Genetics (formerly Invitae), Labcorp); PubMed 18284688 (cited by Ambry Genetics and Quest Diagnostics Nichols Institute San Juan Capistrano); PubMed 33471974 (cited by Quest Diagnostics Nichols Institute San Juan Capistrano).